The following is an entry in ClinVar:

ClinVar aggregate classification (germline): Conflicting classifications of pathogenicity. Review status: criteria provided, conflicting classifications (1 of 4 stars). 4 submissions from 4 submitters: Uncertain significance (1); Likely benign (3). Last evaluated 2026-03-03.

Conditions:
Kleefstra syndrome 1 (KLEFS1). Identifiers: Orphanet 261494, MedGen C0795833, MONDO:0027407, OMIM 610253.

Allele frequency attached by ClinVar (database versions not stated): gnomAD 0.00004 and 0.00005; gnomAD exomes 0.00004 and 0.00006; ExAC 0.00005; TOPMed 0.00005.
gnomAD v4.1: 92 of 1,613,854 alleles (0.0057%); highest among the groups gnomAD compares: Non-Finnish European, 0.0072%; no homozygotes.

Submissions (4):

Women's Health and Genetics/Laboratory Corporation of America, LabCorp
Classification: Uncertain significance. Last evaluated: 2026-03-03. Review status: criteria provided, single submitter. Criteria: LabCorp Variant Classification Summary - May 2015. Collection method: clinical testing. Allele origin: germline.
Comment: Variant summary: EHMT1 c.1054G>A (p.Asp352Asn) results in a conservative amino acid change in the encoded protein sequence. Algorithms developed to predict the effect of missense changes on protein structure and function are either unavailable or do not agree on the potential impact of this missense change. The variant allele was found at a frequency of 4.4e-05 in 250894 control chromosomes. This frequency is not significantly higher than estimated for disease-causing variants in EHMT1, allowing no conclusion about variant significance. To our knowledge, no occurrence of c.1054G>A in individuals affected with EHMT1-related conditions and no experimental evidence demonstrating its impact on protein function have been reported. ClinVar contains an entry for this variant (Variation ID: 834239). Based on the evidence outlined above, the variant was classified as uncertain significance.

Labcorp Genetics (formerly Invitae), Labcorp
Classification: Likely benign for Kleefstra syndrome 1. Last evaluated: 2025-10-27. Review status: criteria provided, single submitter. Criteria: Invitae Variant Classification Sherloc (09022015). Collection method: clinical testing. Allele origin: germline.

CeGaT Center for Human Genetics Tuebingen
Classification: Likely benign. Last evaluated: 2022-12-01. Review status: criteria provided, single submitter. Criteria: CeGaT Center For Human Genetics Tuebingen Variant Classification Criteria Version 2. Collection method: clinical testing. Allele origin: germline. Affected: yes. Observed: 1 variant allele.
Comment: EHMT1: BP4, BS2

GeneDx
Classification: Likely benign. Last evaluated: 2021-06-09. Review status: criteria provided, single submitter. Criteria: GeneDx Variant Classification Process June 2021. Collection method: clinical testing. Allele origin: germline. Affected: yes.

NM_024757.5(EHMT1):c.1054G>A (p.Asp352Asn)

Gene: EHMT1 (euchromatic histone lysine methyltransferase 1; plus strand). Cytogenetic location: 9q34.3.
Variant type: single nucleotide variant.
Coding change: c.1054G>A on transcript NM_024757.5 (MANE Select); coding-DNA position 1054, G replaced by A.
Protein change: p.Asp352Asn; replaces aspartic acid 352 with asparagine.
Molecular consequence: missense variant.
Genome position (GRCh38, 1-based): chr9:137,743,974, G>A. VCF-style: chr9-137743974-G-A. GRCh37 (hg19) VCF-style: chr9-140638426-G-A.
Other names: c.1054G>A, p.Asp352Asn (NM_001145527.2, NM_001354611.2); c.961G>A, p.Asp321Asn (NM_001354259.2, NM_001354612.2); c.1033G>A, p.Asp345Asn (NM_001354263.2); short protein forms D321N, D345N, D352N.
Identifiers: ClinVar variation 834239 (VCV000834239.38), dbSNP rs778201214, ClinGen allele CA5374489.